The following is an entry in ClinVar:

NM_000063.6(C2):c.1778G>A (p.Arg593Gln)

Gene: C2 (complement C2; plus strand). Cytogenetic location: 6p21.33.
Variant type: single nucleotide variant.
Coding change: c.1778G>A on transcript NM_000063.6 (MANE Select); coding-DNA position 1778, G replaced by A.
Protein change: p.Arg593Gln; replaces arginine 593 with glutamine.
Molecular consequence: missense variant.
Genome position (GRCh38, 1-based): chr6:31,943,961, G>A. VCF-style: chr6-31943961-G-A. GRCh37 (hg19) VCF-style: chr6-31911738-G-A.
Other names: c.1778G>A (NM_000063.5); c.1382G>A, p.Arg461Gln (NM_001145903.3); c.1136G>A, p.Arg379Gln (NM_001178063.3); c.1040G>A, p.Arg347Gln (NM_001282457.2); c.1691G>A, p.Arg564Gln (NM_001282458.2); short protein forms R379Q, R461Q, R347Q, R564Q, R593Q.
Identifiers: ClinVar variation 369520 (VCV000369520.18), dbSNP rs150878060, ClinGen allele CA3727782.

ClinVar aggregate classification (germline): Conflicting classifications of pathogenicity. Review status: criteria provided, conflicting classifications (1 of 4 stars). 7 submissions from 6 submitters: Uncertain significance (2); Likely benign (4). 1 of the submissions does not count toward it. Last evaluated 2026-09-01.

Conditions:
Age related macular degeneration 14. Also called: MACULAR DEGENERATION, AGE-RELATED, 14, REDUCED RISK OF. Identifiers: MedGen C3809653, MONDO:0014207, OMIM 615489.
Complement component 2 deficiency (C2D). Also called: C2 deficiency. Identifiers: MedGen C0398756, MONDO:0009006, OMIM 217000.
C2-related disorder. Also called: C2-related disorders; C2-related condition.

Allele frequency attached by ClinVar (database versions not stated): gnomAD exomes 0.00031; ExAC 0.00033; 1000 Genomes Project 30x 0.00078; 1000 Genomes Project 0.00100; gnomAD 0.00122 and 0.00133; TOPMed 0.00146; ESP Exome Variant Server 0.00202.
gnomAD v4.1: 325 of 1,612,984 alleles (0.02%); highest among the groups gnomAD compares: African/African-American, 0.37%; 1 homozygote.

Submissions (7):

CeGaT Center for Human Genetics Tuebingen
Classification: Likely benign. Last evaluated: 2026-09-01. Review status: criteria provided, single submitter. Criteria: CeGaT Center For Human Genetics Tuebingen Variant Classification Criteria Version 2. Collection method: clinical testing. Allele origin: germline. Affected: yes. Observed: 1 variant allele.
Comment: C2: BS1

GeneDx
Classification: Uncertain significance. Last evaluated: 2026-03-25. Review status: criteria provided, single submitter. Criteria: GeneDx Variant Classification Process June 2021. Collection method: clinical testing. Allele origin: germline.
Comment: In silico analysis supports that this missense variant has a deleterious effect on protein structure/function; Has not been previously published as pathogenic or benign to our knowledge

Labcorp Genetics (formerly Invitae), Labcorp
Classification: Likely benign. Last evaluated: 2026-01-06. Review status: criteria provided, single submitter. Criteria: Invitae Variant Classification Sherloc (09022015). Collection method: clinical testing. Allele origin: germline.

Blueprint Genetics
Classification: Uncertain significance. Last evaluated: 2024-01-16. Review status: criteria provided, single submitter. Criteria: ACMG Guidelines, 2015. Collection method: clinical testing. Allele origin: germline.

Illumina Laboratory Services, Illumina
Classification: Likely benign for Age related macular degeneration 14. Last evaluated: 2017-04-28. Review status: criteria provided, single submitter. Criteria: ICSL Variant Classification Criteria 13 December 2019. Collection method: clinical testing. Allele origin: germline.
Comment: This variant was observed as part of a predisposition screen in an ostensibly healthy population. A literature search was performed for the gene, cDNA change, and amino acid change (where applicable). No publications were found based on this search. Allele frequency data from public databases allowed determination this variant is unlikely to cause disease. Therefore, this variant is classified as likely benign.

Illumina Laboratory Services, Illumina
Classification: Likely benign for Complement component 2 deficiency. Last evaluated: 2017-04-28. Review status: criteria provided, single submitter. Criteria: ICSL Variant Classification Criteria 13 December 2019. Collection method: clinical testing. Allele origin: germline.
Comment: the same text as in the submission from Illumina Laboratory Services, Illumina above.

PreventionGenetics, part of Exact Sciences
Classification: Likely benign for C2-related condition. Last evaluated: 2024-02-01. Review status: no assertion criteria provided. Collection method: clinical testing. Allele origin: germline. Not counted in ClinVar's aggregate classification.
Comment: This variant is classified as likely benign based on ACMG/AMP sequence variant interpretation guidelines (Richards et al. 2015 PMID: 25741868, with internal and published modifications).